The following is an entry in ClinVar:

ClinVar aggregate classification (germline): Likely benign. Review status: criteria provided, multiple submitters, no conflicts (2 of 4 stars). 2 submissions from 2 submitters: Likely benign (2). Last evaluated 2024-06-30.

Conditions:
Charcot-Marie-Tooth disease type 4. Also called: Charcot-Marie-Tooth disease, type IV; Charcot-Marie-Tooth, Type 4. Identifiers: Orphanet 64749, MedGen C4082197, MONDO:0018995.

Allele frequency attached by ClinVar (database versions not stated): gnomAD exomes 0.00001; TOPMed 0.00001; ExAC 0.00001; gnomAD 0.00001; ESP Exome Variant Server 0.00008.
gnomAD v4.1: 7 of 1,297,862 alleles (0.00054%); highest among the groups gnomAD compares: African/African-American, 0.0015%; no homozygotes.

Submissions (2):

Labcorp Genetics (formerly Invitae), Labcorp
Classification: Likely benign for Charcot-Marie-Tooth disease type 4. Last evaluated: 2024-06-30. Review status: criteria provided, single submitter. Criteria: Invitae Variant Classification Sherloc (09022015). Collection method: clinical testing. Allele origin: germline.

GeneDx
Classification: Likely benign. Last evaluated: 2017-03-28. Review status: criteria provided, single submitter. Criteria: GeneDx Variant Classification (06012015). Collection method: clinical testing. Allele origin: germline. Affected: yes.
Comment: This variant is considered likely benign or benign based on one or more of the following criteria: it is a conservative change, it occurs at a poorly conserved position in the protein, it is predicted to be benign by multiple in silico algorithms, and/or has population frequency not consistent with disease.

NM_016156.6(MTMR2):c.1480-20T>C

Gene: MTMR2 (myotubularin related protein 2; minus strand). Cytogenetic location: 11q21.
Variant type: single nucleotide variant.
Coding change: c.1480-20T>C on transcript NM_016156.6 (MANE Select); 20 bases into the intron before coding-DNA position 1480, T replaced by C.
Molecular consequence: intron variant.
Genome position (GRCh38, 1-based): chr11:95,838,227, A>G on the plus strand (T>C on the coding strand, the complement: MTMR2 is on the minus strand). VCF-style: chr11-95838227-A-G. GRCh37 (hg19) VCF-style: chr11-95571391-A-G.
Other names: c.1264-20T>C (NM_201281.3, NM_201278.3, NM_001243571.2).
Identifiers: ClinVar variation 508392 (VCV000508392.8), dbSNP rs371041744, ClinGen allele CA6239974.